The following is an entry in ClinVar:

ClinVar aggregate classification (germline): Uncertain significance (1 of 4 stars; one submission).

Conditions:
SEMA3G-related disorder. Also called: SEMA3G-related condition.

Allele frequency attached by ClinVar (database versions not stated): TOPMed 0.00001; gnomAD exomes 0.00002; ExAC 0.00001; gnomAD 0.00001.

Submission:

PreventionGenetics, part of Exact Sciences
Classification: Uncertain significance for SEMA3G-related condition. Last evaluated: 2025-04-26. Review status: criteria provided, single submitter. Criteria: ACMG Guidelines, 2015. Collection method: clinical testing. Allele origin: germline.
Comment: The SEMA3G c.1607G>A variant is predicted to result in the amino acid substitution p.Arg536Gln. To our knowledge, this variant has not been reported in the literature. This variant is reported in 0.0036% of alleles in individuals of European (Non-Finnish) descent in gnomAD. At this time, the clinical significance of this variant is uncertain due to the absence of conclusive functional and genetic evidence.

NM_020163.3(SEMA3G):c.1607G>A (p.Arg536Gln)

Gene: SEMA3G (semaphorin 3G; minus strand). Cytogenetic location: 3p21.1.
Variant type: single nucleotide variant.
Coding change: c.1607G>A on transcript NM_020163.3 (MANE Select); coding-DNA position 1607, G replaced by A.
Protein change: p.Arg536Gln; replaces arginine 536 with glutamine.
Molecular consequence: missense variant.
Genome position (GRCh38, 1-based): chr3:52,438,102, C>T on the plus strand (G>A on the coding strand, the complement: SEMA3G is on the minus strand). VCF-style: chr3-52438102-C-T. GRCh37 (hg19) VCF-style: chr3-52472118-C-T.
Other names: short protein forms R536Q.
Identifiers: ClinVar variation 2628673 (VCV002628673.2), dbSNP rs753515575, ClinGen allele CA2437863.
Genomic context (GRCh38, chr3:52,438,102, plus strand): 5'-TTGCCAAGGCTGGGGCGGTAGTGGGTACAGGAGGCACCATCCCAGGCACAGTATGGGTCC[C>T]GGGCCAGGCAGCACTCTGCACAGGCAGTGCCGTAAGTCTCACATTGGTGCAGCCGCAGCT-3'
Protein context (NP_064548.1, residues 526-546): GTACAECCLA[Arg536Gln]DPYCAWDGAS